The following is an entry in ClinVar:

ClinVar aggregate classification (germline): Uncertain significance (1 of 4 stars; one submission).

Conditions:
Cystic fibrosis (CF). Also called: MUCOVISCIDOSIS. Identifiers: Orphanet 586, MedGen C0010674, MONDO:0009061, OMIM 219700. Disease mechanism: loss of function.

Submission:

Ambry Genetics
Classification: Uncertain significance for Cystic fibrosis. Last evaluated: 2024-12-13. Review status: criteria provided, single submitter. Criteria: Ambry Variant Classification Scheme 2023. Collection method: clinical testing. Allele origin: germline.
Comment: The p.K1080T variant (also known as c.3239A>C), located in coding exon 20 of the CFTR gene, results from an A to C substitution at nucleotide position 3239. The lysine at codon 1080 is replaced by threonine, an amino acid with similar properties. This amino acid position is conserved. In addition, this alteration is predicted to be deleterious by in silico analysis. Based on the available evidence, the clinical significance of this variant remains unclear.

NM_000492.4(CFTR):c.3239A>C (p.Lys1080Thr)

Genes: CFTR (CF transmembrane conductance regulator; plus strand), CFTR-AS2 (CFTR antisense RNA 2; minus strand), LOC111674472 (DNase I hypersensitive sites in introns 16 and 17a of CFTR; plus strand). Cytogenetic location: 7q31.2.
Variant type: single nucleotide variant.
Coding change: c.3239A>C on transcript NM_000492.4 (MANE Select); coding-DNA position 3239, A replaced by C.
Protein change: p.Lys1080Thr; replaces lysine 1080 with threonine.
Molecular consequence: missense variant.
Genome position (GRCh38, 1-based): chr7:117,611,680, A>C. VCF-style: chr7-117611680-A-C. GRCh37 (hg19) VCF-style: chr7-117251734-A-C.
Other names: short protein forms K1080T.
Identifiers: ClinVar variation 3832551 (VCV003832551.1).